The following is an entry in ClinVar:

NM_001123385.2(BCOR):c.1650C>T (p.Thr550=)

Gene: BCOR (BCL6 corepressor; minus strand). Cytogenetic location: Xp11.4.
Variant type: single nucleotide variant.
Coding change: c.1650C>T on transcript NM_001123385.2 (MANE Select); coding-DNA position 1650, C replaced by T.
Protein change: p.Thr550=; no amino-acid change (threonine 550 retained).
Molecular consequence: synonymous variant.
Genome position (GRCh38, 1-based): chrX:40,073,696, G>A on the plus strand (C>T on the coding strand, the complement: BCOR is on the minus strand). VCF-style: chrX-40073696-G-A. GRCh37 (hg19) VCF-style: chrX-39932949-G-A.
Other names: c.1650C>T, p.Thr550= (NM_001123383.2, NM_001123384.2, NM_017745.6).
Identifiers: ClinVar variation 95765 (VCV000095765.25), dbSNP rs17145653, ClinGen allele CA148819.

ClinVar aggregate classification (germline): Benign/Likely benign. Review status: criteria provided, multiple submitters, no conflicts (2 of 4 stars). 6 submissions from 6 submitters: Benign (4); Likely benign (2). Last evaluated 2026-01-19.

Conditions:
Inborn genetic diseases. Identifiers: MedGen C0950123, MeSH D030342.
Oculofaciocardiodental syndrome (MCOPS2). Identifiers: Orphanet 2712, MedGen C1846265, MONDO:0010261, OMIM 300166.

Allele frequency attached by ClinVar (database versions not stated): 1000 Genomes Project 0.00291; 1000 Genomes Project 30x 0.00291; gnomAD exomes 0.00551 and 0.00889; ExAC 0.00565; gnomAD 0.00714 and 0.00806; ESP Exome Variant Server 0.00767; TOPMed 0.00782.
gnomAD v4.1: 10,625 of 1,211,722 alleles (0.88%); highest among the groups gnomAD compares: Non-Finnish European, 1.1%; 37 homozygotes.

Submissions (6):

Labcorp Genetics (formerly Invitae), Labcorp
Classification: Benign for Oculofaciocardiodental syndrome. Last evaluated: 2026-01-19. Review status: criteria provided, single submitter. Criteria: Invitae Variant Classification Sherloc (09022015). Collection method: clinical testing. Allele origin: germline.

Ambry Genetics
Classification: Likely benign for Inborn genetic diseases. Last evaluated: 2016-05-06. Review status: criteria provided, single submitter. Criteria: Ambry Variant Classification Scheme 2023. Collection method: clinical testing. Allele origin: germline.

GeneDx
Classification: Benign. Last evaluated: 2015-12-30. Review status: criteria provided, single submitter. Criteria: GeneDx Variant Classification (06012015). Collection method: clinical testing. Allele origin: germline. Affected: yes.
Comment: This variant is considered likely benign or benign based on one or more of the following criteria: it is a conservative change, it occurs at a poorly conserved position in the protein, it is predicted to be benign by multiple in silico algorithms, and/or has population frequency not consistent with disease.

Genetic Services Laboratory, University of Chicago
Classification: Benign. Last evaluated: 2015-09-03. Review status: criteria provided, single submitter. Criteria: ACMG Guidelines, 2015. Collection method: clinical testing. Allele origin: germline. Affected: no.

Eurofins Ntd Llc (ga)
Classification: Benign. Last evaluated: 2012-11-28. Review status: criteria provided, single submitter. Criteria: EGL Classification Definitions 2015. Collection method: clinical testing. Allele origin: germline. Observed: 4 variant alleles, 4 hemizygotes.

Breakthrough Genomics
Classification: Likely benign. Review status: criteria provided, single submitter. Criteria: ACMG Guidelines, 2015. Collection method: not provided. Allele origin: germline. Inheritance: X-linked inheritance. Affected: yes.